The following is an entry in ClinVar:

NM_194279.4(ISCA2):c.437G>A (p.Cys146Tyr)

Gene: ISCA2 (iron-sulfur cluster assembly 2; plus strand). Cytogenetic location: 14q24.3.
Variant type: single nucleotide variant.
Coding change: c.437G>A on transcript NM_194279.4 (MANE Select); coding-DNA position 437, G replaced by A.
Protein change: p.Cys146Tyr; replaces cysteine 146 with tyrosine.
Molecular consequence: missense variant. On other transcripts: 3 prime UTR variant (1).
Genome position (GRCh38, 1-based): chr14:74,494,972, G>A. VCF-style: chr14-74494972-G-A. GRCh37 (hg19) VCF-style: chr14-74961675-G-A.
Other names: c.*138G>A (NM_001272007.2); short protein forms C146Y.
Identifiers: ClinVar variation 1398768 (VCV001398768.8), dbSNP rs1456856512, ClinGen allele CA390380522.
Genomic context (GRCh38, chr14:74,494,972, plus strand): 5'-AACTGATCCGAAGCTCATTTCAAGTGTTGAACAATCCTCAAGCACAGCAAGGCTGCTCCT[G>A]TGGGTCATCTTTCTCTATCAAACTTTGATGTGATGACTGGTGACTCTGGGATTGTCACCA-3'
Protein context (NP_919255.2, residues 136-154): NNPQAQQGCS[Cys146Tyr]GSSFSIKL

ClinVar aggregate classification (germline): Uncertain significance (1 of 4 stars; one submission).

Submission:

Labcorp Genetics (formerly Invitae), Labcorp
Classification: Uncertain significance. Last evaluated: 2021-07-18. Review status: criteria provided, single submitter. Criteria: Invitae Variant Classification Sherloc (09022015). Collection method: clinical testing. Allele origin: germline.
Comment: This sequence change replaces cysteine with tyrosine at codon 146 of the ISCA2 protein (p.Cys146Tyr). The cysteine residue is highly conserved and there is a large physicochemical difference between cysteine and tyrosine. This variant is not present in population databases (ExAC no frequency). This variant has not been reported in the literature in individuals affected with ISCA2-related conditions. Algorithms developed to predict the effect of missense changes on protein structure and function (SIFT, PolyPhen-2, Align-GVGD) all suggest that this variant is likely to be disruptive. In summary, the available evidence is currently insufficient to determine the role of this variant in disease. Therefore, it has been classified as a Variant of Uncertain Significance.